The following is an entry in ClinVar:

ClinVar aggregate classification (germline): Uncertain significance. Review status: criteria provided, multiple submitters, no conflicts (2 of 4 stars). 2 submissions from 2 submitters: Uncertain significance (2). Last evaluated 2024-11-18.

gnomAD v4.1: 23 of 1,613,876 alleles (0.0014%); highest among the groups gnomAD compares: Non-Finnish European, 0.0019%; no homozygotes.

Submissions (2):

GeneDx
Classification: Uncertain significance. Last evaluated: 2024-11-18. Review status: criteria provided, single submitter. Criteria: GeneDx Variant Classification Process June 2021. Collection method: clinical testing. Allele origin: germline. Affected: yes.
Comment: Not observed at significant frequency in large population cohorts (gnomAD); In silico analysis supports that this missense variant has a deleterious effect on protein structure/function; Has not been previously published as pathogenic or benign to our knowledge

Blueprint Genetics
Classification: Uncertain significance. Last evaluated: 2024-06-27. Review status: criteria provided, single submitter. Criteria: ACMG Guidelines, 2015. Collection method: clinical testing. Allele origin: germline.

NM_206933.4(USH2A):c.4729G>A (p.Gly1577Arg)

Gene: USH2A (usherin; minus strand). Cytogenetic location: 1q41.
Variant type: single nucleotide variant.
Coding change: c.4729G>A on transcript NM_206933.4 (MANE Select); coding-DNA position 4729, G replaced by A.
Protein change: p.Gly1577Arg; replaces glycine 1577 with arginine.
Molecular consequence: missense variant.
Genome position (GRCh38, 1-based): chr1:216,097,112, C>T on the plus strand (G>A on the coding strand, the complement: USH2A is on the minus strand). VCF-style: chr1-216097112-C-T. GRCh37 (hg19) VCF-style: chr1-216270454-C-T.
Other names: short protein forms G1577R.
Identifiers: ClinVar variation 3899749 (VCV003899749.2).